The following is an entry in ClinVar:

NM_014975.3(MAST1):c.1614C>A (p.Asp538Glu)

Gene: MAST1 (microtubule associated serine/threonine kinase 1; plus strand). Cytogenetic location: 19p13.13.
Variant type: single nucleotide variant.
Coding change: c.1614C>A on transcript NM_014975.3 (MANE Select); coding-DNA position 1614, C replaced by A.
Protein change: p.Asp538Glu; replaces aspartic acid 538 with glutamic acid.
Molecular consequence: missense variant.
Genome position (GRCh38, 1-based): chr19:12,865,154, C>A. VCF-style: chr19-12865154-C-A. GRCh37 (hg19) VCF-style: chr19-12975968-C-A.
Other names: short protein forms D538E.
Identifiers: ClinVar variation 3383708 (VCV003383708.1).

ClinVar aggregate classification (germline): Uncertain significance (1 of 4 stars; one submission).

Submission:

GeneDx
Classification: Uncertain significance. Last evaluated: 2024-05-29. Review status: criteria provided, single submitter. Criteria: GeneDx Variant Classification Process June 2021. Collection method: clinical testing. Allele origin: germline. Affected: yes.
Comment: Not observed at significant frequency in large population cohorts (gnomAD); In silico analysis supports that this missense variant has a deleterious effect on protein structure/function; Has not been previously published as pathogenic or benign to our knowledge